The following is an entry in ClinVar:

ClinVar aggregate classification (germline): Uncertain significance. Review status: criteria provided, multiple submitters, no conflicts (2 of 4 stars). 2 submissions from 2 submitters: Uncertain significance (2). Last evaluated 2025-12-20.

Conditions:
Ehlers-Danlos syndrome, classic type, 1 (EDSCL1). Also called: EHLERS-DANLOS SYNDROME, GRAVIS TYPE; EHLERS-DANLOS SYNDROME, SEVERE CLASSIC TYPE; Ehlers-Danlos syndrome, type 1; EDS I; Ehlers-Danlos Syndrome, Classic Type, COL5A1-Related. Identifiers: MedGen C0268335, MONDO:0019567, OMIM 130000.

Submissions (2):

Labcorp Genetics (formerly Invitae), Labcorp
Classification: Uncertain significance for Ehlers-Danlos syndrome, classic type, 1. Last evaluated: 2025-12-20. Review status: criteria provided, single submitter. Criteria: Invitae Variant Classification Sherloc (09022015). Collection method: clinical testing. Allele origin: germline.
Comment: This sequence change falls in intron 46 of the COL5A2 gene. It does not directly change the encoded amino acid sequence of the COL5A2 protein. It affects a nucleotide within the consensus splice site. This variant is not present in population databases (gnomAD no frequency). This variant has not been reported in the literature in individuals affected with COL5A2-related conditions. ClinVar contains an entry for this variant (Variation ID: 1303768). Variants that disrupt the consensus splice site are a relatively common cause of aberrant splicing (PMID: 17576681, 9536098). Algorithms developed to predict the effect of sequence changes on RNA splicing suggest that this variant is not likely to affect RNA splicing. In summary, the available evidence is currently insufficient to determine the role of this variant in disease. Therefore, it has been classified as a Variant of Uncertain Significance.

GeneDx
Classification: Uncertain significance. Last evaluated: 2020-03-18. Review status: criteria provided, single submitter. Criteria: GeneDx Variant Classification Process June 2021. Collection method: clinical testing. Allele origin: germline. Affected: yes.
Comment: Has not been previously published as pathogenic or benign to our knowledge; Not observed in large population cohorts (Lek et al., 2016); In silico analysis supports that this variant does not alter splicing

Literature cited by the submitters: PubMed 17576681 (cited by Labcorp Genetics (formerly Invitae), Labcorp); PubMed 9536098 (cited by Labcorp Genetics (formerly Invitae), Labcorp).

NM_000393.5(COL5A2):c.3309+5G>A

Gene: COL5A2 (collagen type V alpha 2 chain; minus strand). Cytogenetic location: 2q32.2.
Variant type: single nucleotide variant.
Coding change: c.3309+5G>A on transcript NM_000393.5 (MANE Select); 5 bases into the intron after coding-DNA position 3309, G replaced by A.
Molecular consequence: intron variant.
Genome position (GRCh38, 1-based): chr2:189,045,795, C>T on the plus strand (G>A on the coding strand, the complement: COL5A2 is on the minus strand). VCF-style: chr2-189045795-C-T. GRCh37 (hg19) VCF-style: chr2-189910521-C-T.
Identifiers: ClinVar variation 1303768 (VCV001303768.3), dbSNP rs2153507363, ClinGen allele CA2573051823.